The following is an entry in ClinVar:

NM_000059.4(BRCA2):c.9596C>T (p.Thr3199Ile)

Gene: BRCA2 (BRCA2 DNA repair associated; plus strand). Cytogenetic location: 13q13.1.
Variant type: single nucleotide variant.
Coding change: c.9596C>T on transcript NM_000059.4 (MANE Select); coding-DNA position 9596, C replaced by T.
Protein change: p.Thr3199Ile; replaces threonine 3199 with isoleucine.
Molecular consequence: missense variant. On other transcripts: non-coding transcript variant (1).
Genome position (GRCh38, 1-based): chr13:32,396,992, C>T. VCF-style: chr13-32396992-C-T. GRCh37 (hg19) VCF-style: chr13-32971129-C-T.
Other names: c.9500C>T, p.Thr3167Ile (NM_001406719.1); c.9545C>T, p.Thr3182Ile (NM_001406720.1); c.4664C>T, p.Thr1555Ile (NM_001406721.1); c.3179C>T, p.Thr1060Ile (NM_001406722.1); c.9596C>T, p.Thr3199Ile (NM_001432077.1); short protein forms T1060I, T1555I, T3167I, T3182I, T3199I.
Identifiers: ClinVar variation 4867866 (VCV004867866.1).

ClinVar aggregate classification (germline): Uncertain significance (1 of 4 stars; one submission).

Conditions:
Hereditary cancer-predisposing syndrome. Also called: Neoplastic Syndromes, Hereditary; Tumor predisposition; Hereditary Cancer Syndrome; Hereditary neoplastic syndrome. Identifiers: Orphanet 140162, MedGen C0027672, MeSH D009386, MONDO:0015356.

Submission:

Ambry Genetics
Classification: Uncertain significance for Hereditary cancer-predisposing syndrome. Last evaluated: 2026-05-19. Review status: criteria provided, single submitter. Criteria: Ambry Variant Classification Scheme 2023. Collection method: clinical testing. Allele origin: germline.
Comment: The p.T3199I variant (also known as c.9596C>T), located in coding exon 25 of the BRCA2 gene, results from a C to T substitution at nucleotide position 9596. The threonine at codon 3199 is replaced by isoleucine, an amino acid with similar properties. This amino acid position is conserved. In addition, this alteration is predicted to be tolerated by in silico analysis. Based on the available evidence, the clinical significance of this variant remains unclear.